The following is an entry in ClinVar:

ClinVar aggregate classification (germline): Uncertain significance (1 of 4 stars; one submission).

Conditions:
Autosomal recessive limb-girdle muscular dystrophy type 2L (LGMDR12). Also called: Limb-girdle muscular dystrophy, type 2L; Limb-Girdle Muscular Dystrophy R12 Anoctamin-5-Related (LGMD-R12); MUSCULAR DYSTROPHY, LIMB-GIRDLE, AUTOSOMAL RECESSIVE 12. Identifiers: Orphanet 206549, MedGen C1969785, MONDO:0012652, OMIM 611307.
Gnathodiaphyseal dysplasia (GDD). Also called: OSTEOGENESIS IMPERFECTA WITH UNUSUAL SKELETAL LESIONS; GNATHODIAPHYSEAL SCLEROSIS. Identifiers: Orphanet 53697, MedGen C1833736, MONDO:0008151, OMIM 166260.

Submission:

Labcorp Genetics (formerly Invitae), Labcorp
Classification: Uncertain significance for Limb-girdle muscular dystrophy, type 2L; Gnathodiaphyseal dysplasia. Last evaluated: 2019-04-01. Review status: criteria provided, single submitter. Criteria: Invitae Variant Classification Sherloc (09022015). Collection method: clinical testing. Allele origin: germline.
Comment: This variant results in a copy number gain of the genomic region encompassing exons 1-7 of the ANO5 gene. The 5' end of this event is unknown as it extends beyond the assayed region for this gene and therefore may encompass additional genes. The 3' boundary is likely confined to intron 7 of the ANO5 gene, which includes the initiator codon. As the precise location of this event is unknown, it may be in tandem or it may be located elsewhere in the genome. A similar copy number gain has not been reported in the literature in individuals with ANO5-related conditions. In summary, the available evidence is currently insufficient to determine the role of this variant in disease. Therefore, it has been classified as a Variant of Uncertain Significance.

NC_000011.10:g.(?_22193483)_(22227596_?)dup

Gene: ANO5 (anoctamin 5; plus strand). Cytogenetic location: 11p14.3.
Variant type: Duplication.
Identifiers: ClinVar variation 832318 (VCV000832318.1).